The following is an entry in ClinVar:

ClinVar aggregate classification (germline): Uncertain significance (1 of 4 stars; one submission).

Allele frequency attached by ClinVar (database versions not stated): gnomAD 0.00001; TOPMed 0.00001.
gnomAD v4.1: 3 of 1,367,772 alleles (0.00022%); highest among the groups gnomAD compares: Non-Finnish European, 0.00029%; no homozygotes.

Submission:

GeneDx
Classification: Uncertain significance. Last evaluated: 2021-06-11. Review status: criteria provided, single submitter. Criteria: GeneDx Variant Classification (06012015). Collection method: clinical testing. Allele origin: germline. Affected: yes.
Comment: Not observed at significant frequency in large population cohorts (Lek et al., 2016) In silico analysis supports that this missense variant has a deleterious effect on protein structure/function Has not been previously published as pathogenic or benign to our knowledge Variants in candidate genes are classified as variants of uncertain significance in accordance with ACMG guidelines (Richards et al., 2015) This variant is associated with the following publications: (PMID: 27535533)

NM_001388419.1(KALRN):c.5102G>T (p.Gly1701Val)

Gene: KALRN (kalirin RhoGEF kinase; plus strand). Cytogenetic location: 3q21.2.
Variant type: single nucleotide variant.
Coding change: c.5102G>T on transcript NM_001388419.1 (MANE Select); coding-DNA position 5102, G replaced by T.
Protein change: p.Gly1701Val; replaces glycine 1701 with valine.
Molecular consequence: missense variant.
Genome position (GRCh38, 1-based): chr3:124,563,009, G>T. VCF-style: chr3-124563009-G-T. GRCh37 (hg19) VCF-style: chr3-124281856-G-T.
Other names: c.5096G>T, p.Gly1699Val (NM_001024660.5, NM_001322988.2); c.3173G>T, p.Gly1058Val (NM_001388412.1); short protein forms G1058V, G1699V, G1701V.
Identifiers: ClinVar variation 1173045 (VCV001173045.1), dbSNP rs775653956, ClinGen allele CA2580304.
Genomic context (GRCh38, chr3:124,563,009, plus strand): 5'-CCAGCGAGCGGCCTGGTTGGTGTCTGGTCCGTACCACCGAACGGAGCCCGCCCTTGGAGG[G>T]TCTGGTCCCCAGCAGCGCCCTGTGCATCTCACACTCCCGAAGCAGCGTGGAGATGGACTG-3'
Protein context (NP_001375348.1, residues 1691-1711): RTTERSPPLE[Gly1701Val]LVPSSALCIS